The following is an entry in ClinVar:

ClinVar aggregate classification (germline): Uncertain significance (1 of 4 stars; one submission).

Submission:

Labcorp Genetics (formerly Invitae), Labcorp
Classification: Uncertain significance. Last evaluated: 2023-04-24. Review status: criteria provided, single submitter. Criteria: Invitae Variant Classification Sherloc (09022015). Collection method: clinical testing. Allele origin: germline.
Comment: In summary, the available evidence is currently insufficient to determine the role of this variant in disease. Therefore, it has been classified as a Variant of Uncertain Significance. Experimental studies and prediction algorithms are not available or were not evaluated, and the functional significance of this variant is currently unknown. This variant has not been reported in the literature in individuals affected with SERPING1-related conditions. The frequency data for this variant in the population databases is considered unreliable, as metrics indicate poor data quality at this position in the gnomAD database. This variant, c.275_298del, results in the deletion of 8 amino acid(s) of the SERPING1 protein (p.Thr92_Thr99del), but otherwise preserves the integrity of the reading frame.

NM_000062.3(SERPING1):c.275_298del (p.Thr92_Thr99del)

Gene: SERPING1 (serpin family G member 1; plus strand). Cytogenetic location: 11q12.1.
Variant type: Deletion.
Coding change: c.275_298del on transcript NM_000062.3 (MANE Select); coding-DNA positions 275 to 298, 24 bases deleted (CAGAGCCCACCACCCAACCCACCA).
Protein change: p.Thr92_Thr99del.
Molecular consequence: inframe deletion.
Genome position (GRCh38, 1-based): chr11:57,600,102-57,600,125, CAGAGCCCACCACCCAACCCACCA deleted; deleting any 24 consecutive bases within chr11:57,600,092-57,600,125 gives the same sequence; the c. name uses the placement nearest the transcript's 3' end. VCF-style (leftmost placement, unchanged base first): chr11-57600091-ACAACCCACCACAGAGCCCACCACC-A. GRCh37 (hg19) VCF-style: chr11-57367564-ACAACCCACCACAGAGCCCACCACC-A.
Other names: c.275_298del, p.Thr92_Thr99del (NM_001032295.2).
Identifiers: ClinVar variation 2723268 (VCV002723268.3), dbSNP rs1224894724, ClinGen allele CA599805172.